The following is an entry in ClinVar:

ClinVar aggregate classification (germline): Uncertain significance (1 of 4 stars; one submission).

Submission:

GeneDx
Classification: Uncertain significance. Last evaluated: 2022-10-12. Review status: criteria provided, single submitter. Criteria: GeneDx Variant Classification Process June 2021. Collection method: clinical testing. Allele origin: germline. Affected: yes.
Comment: Not observed at significant frequency in large population cohorts (gnomAD); In silico analysis supports that this missense variant has a deleterious effect on protein structure/function; Has not been previously published as pathogenic or benign to our knowledge

NM_001007553.3(CSDE1):c.213T>G (p.Phe71Leu)

Gene: CSDE1 (cold shock domain containing E1; minus strand). Cytogenetic location: 1p13.2.
Variant type: single nucleotide variant.
Coding change: c.213T>G on transcript NM_001007553.3 (MANE Select); coding-DNA position 213, T replaced by G.
Protein change: p.Phe71Leu; replaces phenylalanine 71 with leucine.
Molecular consequence: missense variant.
Genome position (GRCh38, 1-based): chr1:114,738,059, A>C on the plus strand (T>G on the coding strand, the complement: CSDE1 is on the minus strand). VCF-style: chr1-114738059-A-C. GRCh37 (hg19) VCF-style: chr1-115280680-A-C.
Other names: c.351T>G, p.Phe117Leu (NM_001130523.3, NM_001242891.2); c.213T>G, p.Phe71Leu (NM_001242892.2, NM_001242893.2, NM_007158.6); short protein forms F117L, F71L.
Identifiers: ClinVar variation 2499172 (VCV002499172.1), dbSNP rs2524830447, ClinGen allele CA341759873.